The following is an entry in ClinVar:

ClinVar aggregate classification (germline): Uncertain significance (1 of 4 stars; one submission).

Submission:

GeneDx
Classification: Uncertain significance. Last evaluated: 2025-05-15. Review status: criteria provided, single submitter. Criteria: GeneDx Variant Classification Process June 2021. Collection method: clinical testing. Allele origin: germline. Affected: yes.
Comment: Not observed at significant frequency in large population cohorts (gnomAD); In silico analysis supports that this missense variant has a deleterious effect on protein structure/function; Has not been previously published as pathogenic or benign to our knowledge; Not located in one of the three hot-spot regions of the RYR2 gene, where the majority of pathogenic missense variants occur (PMID: 19926015); This variant is associated with the following publications: (PMID: 19926015)

NM_001035.3(RYR2):c.7916A>T (p.His2639Leu)

Gene: RYR2 (ryanodine receptor 2; plus strand). Cytogenetic location: 1q43.
Variant type: single nucleotide variant.
Coding change: c.7916A>T on transcript NM_001035.3 (MANE Select); coding-DNA position 7916, A replaced by T.
Protein change: p.His2639Leu; replaces histidine 2639 with leucine.
Molecular consequence: missense variant.
Genome position (GRCh38, 1-based): chr1:237,654,365, A>T. VCF-style: chr1-237654365-A-T. GRCh37 (hg19) VCF-style: chr1-237817665-A-T.
Other names: short protein forms H2639L.
Identifiers: ClinVar variation 4529629 (VCV004529629.1).